The following is an entry in ClinVar:

NM_006214.4(PHYH):c.338C>T (p.Pro113Leu)

Gene: PHYH (phytanoyl-CoA 2-hydroxylase; minus strand). Cytogenetic location: 10p13.
Variant type: single nucleotide variant.
Coding change: c.338C>T on transcript NM_006214.4 (MANE Select); coding-DNA position 338, C replaced by T.
Protein change: p.Pro113Leu; replaces proline 113 with leucine.
Molecular consequence: missense variant.
Genome position (GRCh38, 1-based): chr10:13,294,504, G>A on the plus strand (C>T on the coding strand, the complement: PHYH is on the minus strand). VCF-style: chr10-13294504-G-A. GRCh37 (hg19) VCF-style: chr10-13336504-G-A.
Other names: c.38C>T, p.Pro13Leu (NM_001037537.2, NM_001323080.2, NM_001323084.2); c.338C>T, p.Pro113Leu (NM_001323082.2, NM_001323083.2); short protein forms P113L, P13L.
Identifiers: ClinVar variation 1051145 (VCV001051145.4), dbSNP rs745983440, ClinGen allele CA5412410.

ClinVar aggregate classification (germline): Uncertain significance (1 of 4 stars; one submission).

Allele frequency attached by ClinVar (database versions not stated): gnomAD exomes 0.00001 and 0.00011; gnomAD 0.00002 and 0.00003; TOPMed 0.00007; ExAC 0.00013.
gnomAD v4.1: 25 of 1,613,934 alleles (0.0015%); highest among the groups gnomAD compares: East Asian, 0.053%; no homozygotes.

Submission:

Labcorp Genetics (formerly Invitae), Labcorp
Classification: Uncertain significance. Last evaluated: 2022-09-06. Review status: criteria provided, single submitter. Criteria: Invitae Variant Classification Sherloc (09022015). Collection method: clinical testing. Allele origin: germline.
Comment: This sequence change replaces proline, which is neutral and non-polar, with leucine, which is neutral and non-polar, at codon 113 of the PHYH protein (p.Pro113Leu). This variant is present in population databases (rs745983440, gnomAD 0.2%). This variant has not been reported in the literature in individuals affected with PHYH-related conditions. ClinVar contains an entry for this variant (Variation ID: 1051145). Algorithms developed to predict the effect of missense changes on protein structure and function output the following: SIFT: "Tolerated"; PolyPhen-2: "Benign"; Align-GVGD: "Class C0". The leucine amino acid residue is found in multiple mammalian species, which suggests that this missense change does not adversely affect protein function. In summary, the available evidence is currently insufficient to determine the role of this variant in disease. Therefore, it has been classified as a Variant of Uncertain Significance.